The following is an entry in ClinVar:

ClinVar aggregate classification (germline): Likely benign. Review status: criteria provided, multiple submitters, no conflicts (2 of 4 stars). 3 submissions from 3 submitters: Likely benign (3). Last evaluated 2025-02-13.

Conditions:
CFTR-related disorder (CFTR-RD). Also called: CFTR-related disorders; CFTR-related condition. Identifiers: MedGen C5924204, MONDO:7770004.
Cystic fibrosis (CF). Also called: MUCOVISCIDOSIS. Identifiers: Orphanet 586, MedGen C0010674, MONDO:0009061, OMIM 219700. Disease mechanism: loss of function.

Submissions (3):

PreventionGenetics, part of Exact Sciences
Classification: Likely benign for CFTR-related condition. Last evaluated: 2025-02-13. Review status: criteria provided, single submitter. Criteria: ACMG Guidelines, 2015. Collection method: clinical testing. Allele origin: germline.
Comment: This variant is classified as likely benign based on ACMG/AMP sequence variant interpretation guidelines (Richards et al. 2015 PMID: 25741868, with internal and published modifications).

Ambry Genetics
Classification: Likely benign for Cystic fibrosis. Last evaluated: 2024-10-25. Review status: criteria provided, single submitter. Criteria: Ambry Variant Classification Scheme 2023. Collection method: clinical testing. Allele origin: germline.

Labcorp Genetics (formerly Invitae), Labcorp
Classification: Likely benign for Cystic fibrosis. Last evaluated: 2021-11-09. Review status: criteria provided, single submitter. Criteria: Invitae Variant Classification Sherloc (09022015). Collection method: clinical testing. Allele origin: germline.

NM_000492.4(CFTR):c.2817T>C (p.His939=)

Gene: CFTR (CF transmembrane conductance regulator; plus strand). Cytogenetic location: 7q31.2.
Variant type: single nucleotide variant.
Coding change: c.2817T>C on transcript NM_000492.4 (MANE Select); coding-DNA position 2817, T replaced by C.
Protein change: p.His939=; no amino-acid change (histidine 939 retained).
Molecular consequence: synonymous variant.
Genome position (GRCh38, 1-based): chr7:117,603,691, T>C. VCF-style: chr7-117603691-T-C. GRCh37 (hg19) VCF-style: chr7-117243745-T-C.
Other names: c.2817T>C (NM_000492.3).
Identifiers: ClinVar variation 1596495 (VCV001596495.10), dbSNP rs770410806, ClinGen allele CA457227996.